The following is an entry in ClinVar:

NM_177550.5(SLC13A5):c.468G>T (p.Leu156Phe)

Gene: SLC13A5 (solute carrier family 13 member 5; minus strand). Cytogenetic location: 17p13.1.
Variant type: single nucleotide variant.
Coding change: c.468G>T on transcript NM_177550.5 (MANE Select); coding-DNA position 468, G replaced by T.
Protein change: p.Leu156Phe; replaces leucine 156 with phenylalanine.
Molecular consequence: missense variant.
Genome position (GRCh38, 1-based): chr17:6,703,957, C>A on the plus strand (G>T on the coding strand, the complement: SLC13A5 is on the minus strand). VCF-style: chr17-6703957-C-A. GRCh37 (hg19) VCF-style: chr17-6607276-C-A.
Other names: c.468G>T, p.Leu156Phe (NM_001143838.3); c.417G>T, p.Leu139Phe (NM_001284509.2); c.339G>T, p.Leu113Phe (NM_001284510.2); short protein forms L113F, L139F, L156F.
Identifiers: ClinVar variation 660298 (VCV000660298.7), dbSNP rs774491349, ClinGen allele CA8331707.

ClinVar aggregate classification (germline): Uncertain significance. Review status: criteria provided, multiple submitters, no conflicts (2 of 4 stars). 2 submissions from 2 submitters: Uncertain significance (2). Last evaluated 2021-12-06.

Conditions:
Developmental and epileptic encephalopathy, 25 (DEE25). Also called: Epileptic encephalopathy, early infantile, 25; Developmental and epileptic encephalopathy 25, with amelogenesis imperfecta; Epileptic encephalopathy, early infantile, 25, with amelogenesis imperfecta. Identifiers: Orphanet 442835, MedGen C4014621, MONDO:0014392, OMIM 615905.

Allele frequency attached by ClinVar (database versions not stated): TOPMed below 0.00001; gnomAD 0.00001 and 0.00003; gnomAD exomes 0.00002 and 0.00004; ExAC 0.00006.
gnomAD v4.1: 35 of 1,611,182 alleles (0.0022%); highest among the groups gnomAD compares: South Asian, 0.037%; no homozygotes.

Submissions (2):

Blueprint Genetics
Classification: Uncertain significance. Last evaluated: 2021-12-06. Review status: criteria provided, single submitter. Criteria: ACMG Guidelines, 2015. Collection method: clinical testing. Allele origin: germline.

Labcorp Genetics (formerly Invitae), Labcorp
Classification: Uncertain significance for Developmental and epileptic encephalopathy, 25. Last evaluated: 2021-09-01. Review status: criteria provided, single submitter. Criteria: Invitae Variant Classification Sherloc (09022015). Collection method: clinical testing. Allele origin: germline.
Comment: This sequence change replaces leucine with phenylalanine at codon 156 of the SLC13A5 protein (p.Leu156Phe). The leucine residue is highly conserved and there is a small physicochemical difference between leucine and phenylalanine. This variant is present in population databases (rs774491349, ExAC 0.05%). This variant has not been reported in the literature in individuals affected with SLC13A5-related conditions. Algorithms developed to predict the effect of missense changes on protein structure and function are either unavailable or do not agree on the potential impact of this missense change (SIFT: "Deleterious"; PolyPhen-2: "Probably Damaging"; Align-GVGD: "Class C0"). In summary, the available evidence is currently insufficient to determine the role of this variant in disease. Therefore, it has been classified as a Variant of Uncertain Significance.